The following is an entry in ClinVar:

ClinVar aggregate classification (germline): Uncertain significance. Review status: criteria provided, multiple submitters, no conflicts (2 of 4 stars). 5 submissions from 5 submitters: Uncertain significance (5). Last evaluated 2024-03-19.

Conditions:
Inborn genetic diseases. Identifiers: MedGen C0950123, MeSH D030342.
Hereditary spastic paraplegia. Also called: Familial spastic paraparesis. Identifiers: Orphanet 685, MedGen C0037773, MONDO:0019064. Disease mechanism: loss of function.
Hereditary spastic paraplegia 39 (SPG39). Also called: Spastic Paraplegia Type 39 (SPG39); SPASTIC PARAPLEGIA 39, AUTOSOMAL RECESSIVE. Identifiers: Orphanet 139480, MedGen C2677586, MONDO:0012787, OMIM 612020.

Allele frequency attached by ClinVar (database versions not stated): gnomAD 0.00002; TOPMed 0.00003; ExAC 0.00004; gnomAD exomes 0.00005 and 0.00009.
gnomAD v4.1: 132 of 1,611,050 alleles (0.0082%); highest among the groups gnomAD compares: Middle Eastern, 0.017%; no homozygotes.

Submissions (5):

Blueprint Genetics
Classification: Uncertain significance. Last evaluated: 2024-03-19. Review status: criteria provided, single submitter. Criteria: ACMG Guidelines, 2015. Collection method: clinical testing. Allele origin: germline.

Ambry Genetics
Classification: Uncertain significance for Inborn genetic diseases. Last evaluated: 2022-10-26. Review status: criteria provided, single submitter. Criteria: Ambry Variant Classification Scheme 2023. Collection method: clinical testing. Allele origin: germline.

Labcorp Genetics (formerly Invitae), Labcorp
Classification: Uncertain significance for Hereditary spastic paraplegia 39. Last evaluated: 2022-10-05. Review status: criteria provided, single submitter. Criteria: Invitae Variant Classification Sherloc (09022015). Collection method: clinical testing. Allele origin: germline.
Comment: In summary, the available evidence is currently insufficient to determine the role of this variant in disease. Therefore, it has been classified as a Variant of Uncertain Significance. Algorithms developed to predict the effect of missense changes on protein structure and function (SIFT, PolyPhen-2, Align-GVGD) all suggest that this variant is likely to be tolerated. ClinVar contains an entry for this variant (Variation ID: 857794). This variant has not been reported in the literature in individuals affected with PNPLA6-related conditions. This variant is present in population databases (rs756180538, gnomAD 0.009%). This sequence change replaces alanine, which is neutral and non-polar, with valine, which is neutral and non-polar, at codon 255 of the PNPLA6 protein (p.Ala255Val).

Illumina Laboratory Services, Illumina
Classification: Uncertain significance for Hereditary spastic paraplegia 39. Last evaluated: 2018-03-02. Review status: criteria provided, single submitter. Criteria: ICSL Variant Classification Criteria 13 December 2019. Collection method: clinical testing. Allele origin: germline.

Genome Diagnostics Laboratory, The Hospital for Sick Children
Classification: Uncertain significance for Hereditary spastic paraplegia. Last evaluated: 2017-07-11. Review status: criteria provided, single submitter. Criteria: ACMG Guidelines, 2015. Collection method: clinical testing. Allele origin: germline. Affected: yes.

NM_001166114.2(PNPLA6):c.881C>T (p.Ala294Val)

Gene: PNPLA6 (patatin like domain 6, lysophospholipase; plus strand). Cytogenetic location: 19p13.2.
Variant type: single nucleotide variant.
Coding change: c.881C>T on transcript NM_001166114.2 (MANE Select); coding-DNA position 881, C replaced by T.
Protein change: p.Ala294Val; replaces alanine 294 with valine.
Molecular consequence: missense variant.
Genome position (GRCh38, 1-based): chr19:7,541,008, C>T. VCF-style: chr19-7541008-C-T. GRCh37 (hg19) VCF-style: chr19-7605894-C-T.
Other names: c.908C>T, p.Ala303Val (NM_001166111.2); c.764C>T, p.Ala255Val (NM_001166112.2, NM_001166113.1, NM_006702.5); short protein forms A294V, A303V, A255V.
Identifiers: ClinVar variation 857794 (VCV000857794.13), dbSNP rs756180538, ClinGen allele CA9139603.